The following is an entry in ClinVar:

ClinVar aggregate classification (germline): Conflicting classifications of pathogenicity. Review status: criteria provided, conflicting classifications (1 of 4 stars). 3 submissions from 3 submitters: Uncertain significance (2); Benign (1). Last evaluated 2025-01-19.

Conditions:
Inborn genetic diseases. Identifiers: MedGen C0950123, MeSH D030342.

Allele frequency attached by ClinVar (database versions not stated): TOPMed below 0.00001; gnomAD 0.00005 and 0.00006; 1000 Genomes Project 30x 0.00016; gnomAD exomes 0.00018; ExAC 0.00019; 1000 Genomes Project 0.00020.
gnomAD v4.1: 118 of 1,612,514 alleles (0.0073%); highest among the groups gnomAD compares: South Asian, 0.036%; 1 homozygote.

Submissions (3):

Ambry Genetics
Classification: Uncertain significance for Inborn genetic diseases. Last evaluated: 2025-01-19. Review status: criteria provided, single submitter. Criteria: Ambry Variant Classification Scheme 2023. Collection method: clinical testing. Allele origin: germline.

Blueprint Genetics
Classification: Benign. Last evaluated: 2024-11-18. Review status: criteria provided, single submitter. Criteria: ACMG Guidelines, 2015. Collection method: clinical testing. Allele origin: germline.

Labcorp Genetics (formerly Invitae), Labcorp
Classification: Uncertain significance. Last evaluated: 2023-07-07. Review status: criteria provided, single submitter. Criteria: Invitae Variant Classification Sherloc (09022015). Collection method: clinical testing. Allele origin: germline.
Comment: This variant is present in population databases (rs185431140, gnomAD 0.1%). This sequence change replaces proline, which is neutral and non-polar, with serine, which is neutral and polar, at codon 185 of the AGBL5 protein (p.Pro185Ser). This variant has not been reported in the literature in individuals affected with AGBL5-related conditions. ClinVar contains an entry for this variant (Variation ID: 1433084). Algorithms developed to predict the effect of missense changes on protein structure and function output the following: SIFT: "Not Available"; PolyPhen-2: "Benign"; Align-GVGD: "Not Available". The serine amino acid residue is found in multiple mammalian species, which suggests that this missense change does not adversely affect protein function. In summary, the available evidence is currently insufficient to determine the role of this variant in disease. Therefore, it has been classified as a Variant of Uncertain Significance.

NM_021831.6(AGBL5):c.553C>T (p.Pro185Ser)

Gene: AGBL5 (AGBL carboxypeptidase 5; plus strand). Cytogenetic location: 2p23.3.
Variant type: single nucleotide variant.
Coding change: c.553C>T on transcript NM_021831.6 (MANE Select); coding-DNA position 553, C replaced by T.
Protein change: p.Pro185Ser; replaces proline 185 with serine.
Molecular consequence: missense variant. On other transcripts: non-coding transcript variant (2).
Genome position (GRCh38, 1-based): chr2:27,054,631, C>T. VCF-style: chr2-27054631-C-T. GRCh37 (hg19) VCF-style: chr2-27277499-C-T.
Other names: c.553C>T, p.Pro185Ser (NM_001035507.3); c.553C>T (NM_021831.5); short protein forms P185S.
Identifiers: ClinVar variation 1433084 (VCV001433084.9), dbSNP rs185431140, ClinGen allele CA1567676.